The following is an entry in ClinVar:

NM_021975.4(RELA):c.725C>G (p.Ala242Gly)

Gene: RELA (RELA proto-oncogene, NF-kB subunit; minus strand). Cytogenetic location: 11q13.1.
Variant type: single nucleotide variant.
Coding change: c.725C>G on transcript NM_021975.4 (MANE Select); coding-DNA position 725, C replaced by G.
Protein change: p.Ala242Gly; replaces alanine 242 with glycine.
Molecular consequence: missense variant. On other transcripts: intron variant (2).
Genome position (GRCh38, 1-based): chr11:65,658,439, G>C on the plus strand (C>G on the coding strand, the complement: RELA is on the minus strand). VCF-style: chr11-65658439-G-C. GRCh37 (hg19) VCF-style: chr11-65425910-G-C.
Other names: c.725C>G, p.Ala242Gly (NM_001243985.2, NM_001243984.2); c.758C>G, p.Ala253Gly (NM_001404657.1); c.698C>G, p.Ala233Gly (NM_001404658.1); c.344C>G, p.Ala115Gly (NM_001404661.1); c.632C>G, p.Ala211Gly (NM_001404662.1, NM_001404663.1); c.559+1227C>G (NM_001404660.1); c.664+279C>G (NM_001404659.1); c.716C>G, p.Ala239Gly (NM_001145138.2); short protein forms A253G, A211G, A233G, A239G, A242G, A115G.
Identifiers: ClinVar variation 3694613 (VCV003694613.2).

ClinVar aggregate classification (germline): Uncertain significance (1 of 4 stars; one submission).

Submission:

Labcorp Genetics (formerly Invitae), Labcorp
Classification: Uncertain significance. Last evaluated: 2024-11-18. Review status: criteria provided, single submitter. Criteria: Invitae Variant Classification Sherloc (09022015). Collection method: clinical testing. Allele origin: germline.
Comment: This sequence change replaces alanine, which is neutral and non-polar, with glycine, which is neutral and non-polar, at codon 242 of the RELA protein (p.Ala242Gly). This variant is not present in population databases (gnomAD no frequency). This variant has not been reported in the literature in individuals affected with RELA-related conditions. An algorithm developed to predict the effect of missense changes on protein structure and function (PolyPhen-2) suggests that this variant is likely to be disruptive. In summary, the available evidence is currently insufficient to determine the role of this variant in disease. Therefore, it has been classified as a Variant of Uncertain Significance.